The following continues an entry in ClinVar:

NM_001374828.1(ARID1B):c.4479G>A (p.Pro1493=)

Gene: ARID1B. ClinVar aggregate classification (germline): Pathogenic/Likely pathogenic. Pathogenic (12); Likely pathogenic (4).

Submissions 12 to 18 of 18:

Genetics Laboratory, UDIAT-Centre Diagnòstic, Hospital Universitari Parc Tauli
Classification: Likely pathogenic. Last evaluated: 2021-04-26. Review status: criteria provided, single submitter. Criteria: Parc Tauli Hospital Assertion Criteria 2021. Collection method: clinical testing. Allele origin: de novo. Inheritance: Autosomal dominant inheritance. Affected: yes. Observed: 1 heterozygote.
Comment: PVS1_strong;PM2_supporting;PM6_moderate

Baylor Genetics
Classification: Pathogenic for Coffin-Siris syndrome 1. Last evaluated: 2020-05-05. Review status: criteria provided, single submitter. Criteria: ACMG Guidelines, 2015. Collection method: clinical testing. Allele origin: unknown. Affected: yes.
Comment: This variant was determined to be pathogenic according to ACMG Guidelines, 2015 [PMID:25741868]. [PMID 22405089, 27474218, 29286531, 28323383]

Knight Diagnostic Laboratories, Oregon Health and Sciences University
Classification: Pathogenic for Coffin-siris syndrome 1. Last evaluated: 2019-08-27. Review status: criteria provided, single submitter. Criteria: ACMG Guidelines, 2015. Collection method: clinical testing. Allele origin: germline. Observed: 1 variant allele.

HudsonAlpha Institute for Biotechnology
Classification: Pathogenic for Coffin-Siris syndrome 1. Last evaluated: 2017-01-12. Review status: criteria provided, single submitter. Criteria: HA_assertions_20161101. Collection method: research. Allele origin: de novo. Affected: yes. Observed: 1 variant allele. Study: CSER-HudsonAlpha.

Genetic Services Laboratory, University of Chicago
Classification: Likely pathogenic for Mental retardation, autosomal dominant 12. Last evaluated: 2014-12-22. Review status: criteria provided, single submitter. Criteria: ACMG Guidelines, 2015. Collection method: clinical testing. Allele origin: germline. Affected: yes.

OMIM
Classification: Pathogenic for COFFIN-SIRIS SYNDROME 1. Last evaluated: 2012-03-09. Review status: no assertion criteria provided. Collection method: literature only. Allele origin: germline. Not counted in ClinVar's aggregate classification.

Centre for Mendelian Genomics, University Medical Centre Ljubljana
Classification: Uncertain significance for Constipation; Decreased body weight; Failure to thrive; Microcephaly; Recurrent respiratory infections; Seizure; Short stature. Last evaluated: 2015-12-29. Review status: flagged submission. Criteria: ACMG Guidelines, 2015. Collection method: clinical testing. Allele origin: unknown. Affected: yes. Not counted in ClinVar's aggregate classification.
ClinVar note: Reason: Outlier claim with insufficient supporting evidence

Literature cited by the submitters: PubMed 22405089 (cited by 6 submitters); PubMed 33768696 (cited by Victorian Clinical Genetics Services, Murdoch Childrens Research Institute); PubMed 27474218 (cited by 4 submitters); PubMed 28323383 (cited by 5 submitters); PubMed 31406558 (cited by Pittsburgh Clinical Genomics Laboratory, University of Pittsburgh Medical Center); PubMed 29286531 (cited by Pittsburgh Clinical Genomics Laboratory, University of Pittsburgh Medical Center and Baylor Genetics); PubMed 17576681 (cited by Labcorp Genetics (formerly Invitae), Labcorp); PubMed 9536098 (cited by Labcorp Genetics (formerly Invitae), Labcorp); PubMed 15057123 (cited by OMIM).